The following is an entry in ClinVar:

ClinVar aggregate classification (germline): Likely benign. Review status: criteria provided, multiple submitters, no conflicts (2 of 4 stars). 2 submissions from 2 submitters: Likely benign (2). Last evaluated 2025-07-10.

Allele frequency attached by ClinVar (database versions not stated): TOPMed below 0.00001; gnomAD exomes 0.00001.
gnomAD v4.1: 11 of 1,614,262 alleles (0.00068%); highest among the groups gnomAD compares: Non-Finnish European, 0.00093%; no homozygotes.

Submissions (2):

Mayo Clinic Laboratories, Mayo Clinic
Classification: Likely benign. Last evaluated: 2025-07-10. Review status: criteria provided, single submitter. Criteria: ACMG Guidelines, 2015. Collection method: clinical testing. Allele origin: germline. Observed: 1 variant allele.
Comment: BP4, BP7

Labcorp Genetics (formerly Invitae), Labcorp
Classification: Likely benign. Last evaluated: 2024-12-16. Review status: criteria provided, single submitter. Criteria: Invitae Variant Classification Sherloc (09022015). Collection method: clinical testing. Allele origin: germline.

NM_001098.3(ACO2):c.297G>A (p.Gln99=)

Gene: ACO2 (aconitase 2; plus strand). Cytogenetic location: 22q13.2.
Variant type: single nucleotide variant.
Coding change: c.297G>A on transcript NM_001098.3 (MANE Select); coding-DNA position 297, G replaced by A.
Protein change: p.Gln99=; no amino-acid change (glutamine 99 retained).
Molecular consequence: synonymous variant.
Genome position (GRCh38, 1-based): chr22:41,507,914, G>A. VCF-style: chr22-41507914-G-A. GRCh37 (hg19) VCF-style: chr22-41903918-G-A.
Other names: p.Gln99=.
Identifiers: ClinVar variation 2191666 (VCV002191666.5), dbSNP rs1324582808, ClinGen allele CA514649989.